The following is an entry in ClinVar:

NM_001194998.2(CEP152):c.3336A>T (p.Glu1112Asp)

Gene: CEP152 (centrosomal protein 152; minus strand). Cytogenetic location: 15q21.1.
Variant type: single nucleotide variant.
Coding change: c.3336A>T on transcript NM_001194998.2 (MANE Select); coding-DNA position 3336, A replaced by T.
Protein change: p.Glu1112Asp; replaces glutamic acid 1112 with aspartic acid.
Molecular consequence: missense variant.
Genome position (GRCh38, 1-based): chr15:48,755,912, T>A on the plus strand (A>T on the coding strand, the complement: CEP152 is on the minus strand). VCF-style: chr15-48755912-T-A. GRCh37 (hg19) VCF-style: chr15-49048109-T-A.
Other names: c.3336A>T, p.Glu1112Asp (NM_014985.4); short protein forms E1112D.
Identifiers: ClinVar variation 3618139 (VCV003618139.2).

ClinVar aggregate classification (germline): Uncertain significance (1 of 4 stars; one submission).

gnomAD v4.1: 1 of 1,613,830 alleles (0.000062%); highest among the groups gnomAD compares: Non-Finnish European, 0.000085%; no homozygotes.

Submission:

Labcorp Genetics (formerly Invitae), Labcorp
Classification: Uncertain significance. Last evaluated: 2024-11-27. Review status: criteria provided, single submitter. Criteria: Invitae Variant Classification Sherloc (09022015). Collection method: clinical testing. Allele origin: germline.
Comment: This sequence change replaces glutamic acid, which is acidic and polar, with aspartic acid, which is acidic and polar, at codon 1112 of the CEP152 protein (p.Glu1112Asp). This variant is present in population databases (no rsID available, gnomAD 0.0009%). This variant has not been reported in the literature in individuals affected with CEP152-related conditions. Invitae Evidence Modeling of protein sequence and biophysical properties (such as structural, functional, and spatial information, amino acid conservation, physicochemical variation, residue mobility, and thermodynamic stability) indicates that this missense variant is not expected to disrupt CEP152 protein function with a negative predictive value of 80%. In summary, the available evidence is currently insufficient to determine the role of this variant in disease. Therefore, it has been classified as a Variant of Uncertain Significance.